The following is an entry in ClinVar:

NM_001267550.2(TTN):c.68144C>A (p.Thr22715Asn)

Genes: TTN (titin; minus strand), TTN-AS1 (TTN antisense RNA 1; plus strand), LOC126806423 (CDK7 strongly-dependent group 2 enhancer GRCh37_chr2:179443309-179444508; plus strand). Cytogenetic location: 2q31.2.
Variant type: single nucleotide variant.
Coding change: c.68144C>A on transcript NM_001267550.2 (MANE Select); coding-DNA position 68144, C replaced by A.
Protein change: p.Thr22715Asn; replaces threonine 22715 with asparagine.
Molecular consequence: missense variant.
Genome position (GRCh38, 1-based): chr2:178,578,886, G>T on the plus strand (C>A on the coding strand, the complement: TTN is on the minus strand). VCF-style: chr2-178578886-G-T. GRCh37 (hg19) VCF-style: chr2-179443613-G-T.
Other names: p.Thr21074Asn; c.63221C>A, p.Thr21074Asn (NM_001256850.1); c.40949C>A, p.Thr13650Asn (NM_003319.4); c.60440C>A, p.Thr20147Asn (NM_133378.4); c.41324C>A, p.Thr13775Asn (NM_133432.3); c.41525C>A, p.Thr13842Asn (NM_133437.4); short protein forms T13650N, T13775N, T13842N, T20147N, T21074N, T22715N.
Identifiers: ClinVar variation 3380879 (VCV003380879.1).

ClinVar aggregate classification (germline): Uncertain significance (1 of 4 stars; one submission).

Submission:

Mayo Clinic Laboratories, Mayo Clinic
Classification: Uncertain significance. Last evaluated: 2024-05-17. Review status: criteria provided, single submitter. Criteria: ACMG Guidelines, 2015. Collection method: clinical testing. Allele origin: germline. Observed: 1 variant allele.
Comment: PM2